The following is an entry in ClinVar:

NM_014314.4(RIGI):c.1252A>G (p.Lys418Glu)

Gene: RIGI (RNA sensor RIG-I; minus strand). Cytogenetic location: 9p21.1.
Variant type: single nucleotide variant.
Coding change: c.1252A>G on transcript NM_014314.4 (MANE Select); coding-DNA position 1252, A replaced by G.
Protein change: p.Lys418Glu; replaces lysine 418 with glutamic acid.
Molecular consequence: missense variant.
Genome position (GRCh38, 1-based): chr9:32,487,594, T>C on the plus strand (A>G on the coding strand, the complement: RIGI is on the minus strand). VCF-style: chr9-32487594-T-C. GRCh37 (hg19) VCF-style: chr9-32487592-T-C.
Other names: c.1246A>G, p.Lys416Glu (NM_001385907.1); c.1252A>G, p.Lys418Glu (NM_001385909.1); c.811A>G, p.Lys271Glu (NM_001385910.1); c.643A>G, p.Lys215Glu (NM_001385912.1); c.1237A>G, p.Lys413Glu (NM_001385913.1); c.808A>G, p.Lys270Glu (NM_001385914.1); short protein forms K418E, K215E, K271E, K416E, K270E, K413E.
Identifiers: ClinVar variation 2743346 (VCV002743346.3), dbSNP rs2489330128, ClinGen allele CA373156001.
Genomic context (GRCh38, chr9:32,487,594, plus strand): 5'-CTGACGCATCAAGAGAAGCACACAGCTTGCAGATATAATCCAAGGCTTCATCTGTGTTTT[T>C]GGCATCCCCAACACCAACCGAGGCAGTCAGCCCAATGACCTGTAAGGAGCATTCAAAATC-3'
Protein context (NP_055129.2, residues 408-428): LTASVGVGDA[Lys418Glu]NTDEALDYIC

ClinVar aggregate classification (germline): Uncertain significance (1 of 4 stars; one submission).

Submission:

Labcorp Genetics (formerly Invitae), Labcorp
Classification: Uncertain significance. Last evaluated: 2023-07-14. Review status: criteria provided, single submitter. Criteria: Invitae Variant Classification Sherloc (09022015). Collection method: clinical testing. Allele origin: germline.
Comment: This sequence change replaces lysine, which is basic and polar, with glutamic acid, which is acidic and polar, at codon 418 of the DDX58 protein (p.Lys418Glu). In summary, the available evidence is currently insufficient to determine the role of this variant in disease. Therefore, it has been classified as a Variant of Uncertain Significance. Advanced modeling of protein sequence and biophysical properties (such as structural, functional, and spatial information, amino acid conservation, physicochemical variation, residue mobility, and thermodynamic stability) performed at Invitae indicates that this missense variant is expected to disrupt DDX58 protein function. This variant has not been reported in the literature in individuals affected with DDX58-related conditions. This variant is not present in population databases (gnomAD no frequency).